The following is an entry in ClinVar:

NM_001374736.1(DST):c.10684T>C (p.Leu3562=)

Gene: DST (dystonin; minus strand). Cytogenetic location: 6p12.1.
Variant type: single nucleotide variant.
Coding change: c.10684T>C on transcript NM_001374736.1 (MANE Select); coding-DNA position 10684, T replaced by C.
Protein change: p.Leu3562=; no amino-acid change (leucine 3562 retained).
Molecular consequence: synonymous variant. On other transcripts: intron variant (6).
Genome position (GRCh38, 1-based): chr6:56,603,944, A>G on the plus strand (T>C on the coding strand, the complement: DST is on the minus strand). VCF-style: chr6-56603944-A-G. GRCh37 (hg19) VCF-style: chr6-56468742-A-G.
Other names: c.4771-3723T>C (NM_001144770.2); c.4651-3723T>C (NM_001374730.1, NM_001386100.1, NM_183380.4); c.3673-3723T>C (NM_015548.5); c.10684T>C, p.Leu3562= (NM_001374722.1); c.10051T>C, p.Leu3351= (NM_001374729.1); c.10711T>C, p.Leu3571= (NM_001374734.1); c.5185-3723T>C (NM_001144769.5).
Identifiers: ClinVar variation 2656664 (VCV002656664.24), dbSNP rs111228847, ClinGen allele CA3868855.

ClinVar aggregate classification (germline): Likely benign (1 of 4 stars; one submission).

Allele frequency attached by ClinVar (database versions not stated): gnomAD exomes 0.00058; TOPMed 0.00070; gnomAD 0.00072; ExAC 0.00111; ESP Exome Variant Server 0.00126.
gnomAD v4.1: 1,040 of 1,611,404 alleles (0.065%); highest among the groups gnomAD compares: Non-Finnish European, 0.01%; 12 homozygotes.

Submission:

CeGaT Center for Human Genetics Tuebingen
Classification: Likely benign. Last evaluated: 2024-04-01. Review status: criteria provided, single submitter. Criteria: CeGaT Center For Human Genetics Tuebingen Variant Classification Criteria Version 2. Collection method: clinical testing. Allele origin: germline. Affected: yes. Observed: 3 variant alleles.
Comment: DST: BP4, BP7